The following is an entry in ClinVar:

ClinVar aggregate classification (germline): Uncertain significance (1 of 4 stars; one submission).

Allele frequency attached by ClinVar (database versions not stated): gnomAD exomes 0.00002; TOPMed 0.00002; ESP Exome Variant Server 0.00008.

Submission:

Labcorp Genetics (formerly Invitae), Labcorp
Classification: Uncertain significance. Last evaluated: 2022-07-17. Review status: criteria provided, single submitter. Criteria: Invitae Variant Classification Sherloc (09022015). Collection method: clinical testing. Allele origin: germline.
Comment: This sequence change replaces isoleucine, which is neutral and non-polar, with leucine, which is neutral and non-polar, at codon 14 of the ALDH6A1 protein (p.Ile14Leu). This variant is present in population databases (rs147854047, gnomAD 0.04%). This variant has not been reported in the literature in individuals affected with ALDH6A1-related conditions. Advanced modeling of protein sequence and biophysical properties (such as structural, functional, and spatial information, amino acid conservation, physicochemical variation, residue mobility, and thermodynamic stability) performed at Invitae indicates that this missense variant is not expected to disrupt ALDH6A1 protein function. In summary, the available evidence is currently insufficient to determine the role of this variant in disease. Therefore, it has been classified as a Variant of Uncertain Significance.

NM_005589.4(ALDH6A1):c.40A>C (p.Ile14Leu)

Gene: ALDH6A1 (aldehyde dehydrogenase 6 family member A1; minus strand). Cytogenetic location: 14q24.3.
Variant type: single nucleotide variant.
Coding change: c.40A>C on transcript NM_005589.4 (MANE Select); coding-DNA position 40, A replaced by C.
Protein change: p.Ile14Leu; replaces isoleucine 14 with leucine.
Molecular consequence: missense variant. On other transcripts: 5 prime UTR variant (1).
Genome position (GRCh38, 1-based): chr14:74,084,355, T>G on the plus strand (A>C on the coding strand, the complement: ALDH6A1 is on the minus strand). VCF-style: chr14-74084355-T-G. GRCh37 (hg19) VCF-style: chr14-74551058-T-G.
Other names: c.40A>C, p.Ile14Leu (NM_001278593.2); c.-586A>C (NM_001278594.2); short protein forms I14L.
Identifiers: ClinVar variation 2186067 (VCV002186067.1), dbSNP rs147854047, ClinGen allele CA7265999.